The following is an entry in ClinVar:

ClinVar aggregate classification (germline): Likely benign (1 of 4 stars; one submission).

Submission:

CeGaT Center for Human Genetics Tuebingen
Classification: Likely benign. Last evaluated: 2026-07-01. Review status: criteria provided, single submitter. Criteria: CeGaT Center For Human Genetics Tuebingen Variant Classification Criteria Version 2. Collection method: clinical testing. Allele origin: germline. Affected: yes. Observed: 1 variant allele.
Comment: AHNAK2: BP4

NM_138420.4(AHNAK2):c.2776A>G (p.Met926Val)

Gene: AHNAK2 (AHNAK nucleoprotein 2; minus strand). Cytogenetic location: 14q32.33.
Variant type: single nucleotide variant.
Coding change: c.2776A>G on transcript NM_138420.4 (MANE Select); coding-DNA position 2776, A replaced by G.
Protein change: p.Met926Val; replaces methionine 926 with valine.
Molecular consequence: missense variant.
Genome position (GRCh38, 1-based): chr14:104,952,675, T>C on the plus strand (A>G on the coding strand, the complement: AHNAK2 is on the minus strand). VCF-style: chr14-104952675-T-C. GRCh37 (hg19) VCF-style: chr14-105419012-T-C.
Other names: c.2476A>G, p.Met826Val (NM_001350929.2); short protein forms M826V, M926V.
Identifiers: ClinVar variation 5041881 (VCV005041881.1).